The following is an entry in ClinVar:

NM_032228.6(FAR1):c.392C>G (p.Ala131Gly)

Gene: FAR1 (fatty acyl-CoA reductase 1; plus strand). Cytogenetic location: 11p15.3.
Variant type: single nucleotide variant.
Coding change: c.392C>G on transcript NM_032228.6 (MANE Select); coding-DNA position 392, C replaced by G.
Protein change: p.Ala131Gly; replaces alanine 131 with glycine.
Molecular consequence: missense variant.
Genome position (GRCh38, 1-based): chr11:13,707,926, C>G. VCF-style: chr11-13707926-C-G. GRCh37 (hg19) VCF-style: chr11-13729473-C-G.
Other names: short protein forms A131G.
Identifiers: ClinVar variation 2718767 (VCV002718767.3), dbSNP rs2500126703, ClinGen allele CA379856576.

ClinVar aggregate classification (germline): Uncertain significance (1 of 4 stars; one submission).

Submission:

Labcorp Genetics (formerly Invitae), Labcorp
Classification: Uncertain significance. Last evaluated: 2023-06-18. Review status: criteria provided, single submitter. Criteria: Invitae Variant Classification Sherloc (09022015). Collection method: clinical testing. Allele origin: germline.
Comment: This variant has not been reported in the literature in individuals affected with FAR1-related conditions. Advanced modeling of protein sequence and biophysical properties (such as structural, functional, and spatial information, amino acid conservation, physicochemical variation, residue mobility, and thermodynamic stability) performed at Invitae indicates that this missense variant is not expected to disrupt FAR1 protein function. In summary, the available evidence is currently insufficient to determine the role of this variant in disease. Therefore, it has been classified as a Variant of Uncertain Significance. This variant is not present in population databases (gnomAD no frequency). This sequence change replaces alanine, which is neutral and non-polar, with glycine, which is neutral and non-polar, at codon 131 of the FAR1 protein (p.Ala131Gly).